The following is an entry in ClinVar:

ClinVar aggregate classification (germline): Uncertain significance. Review status: criteria provided, multiple submitters, no conflicts (2 of 4 stars). 2 submissions from 2 submitters: Uncertain significance (2). Last evaluated 2023-11-03.

Conditions:
Inborn genetic diseases. Identifiers: MedGen C0950123, MeSH D030342.

gnomAD v4.1: 5 of 1,613,696 alleles (0.00031%); highest among the groups gnomAD compares: Non-Finnish European, 0.00042%; no homozygotes.

Submissions (2):

Ambry Genetics
Classification: Uncertain significance for Inborn genetic diseases. Last evaluated: 2023-11-03. Review status: criteria provided, single submitter. Criteria: Ambry Variant Classification Scheme 2023. Collection method: clinical testing. Allele origin: germline.

Laboratory for Molecular Medicine, Mass General Brigham Personalized Medicine
Classification: Uncertain significance. Last evaluated: 2011-04-15. Review status: criteria provided, single submitter. Criteria: LMM Criteria. Collection method: clinical testing. Allele origin: germline. Observed: 1 variant allele.
Comment: The Arg264Pro variant in TMC1 has not been reported in the literature nor previo usly identified by our laboratory. Computational analyses (biochemical amino aci d properties, homology, PolyPhen2, SIFT, AlignGVGD) do not provide strong suppor t for or against pathogenicity. In summary, the clinical significance of this va riant cannot be determined with certainty at this time.

NM_138691.3(TMC1):c.791G>C (p.Arg264Pro)

Gene: TMC1 (transmembrane channel like 1; plus strand). Cytogenetic location: 9q21.13.
Variant type: single nucleotide variant.
Coding change: c.791G>C on transcript NM_138691.3 (MANE Select); coding-DNA position 791, G replaced by C.
Protein change: p.Arg264Pro; replaces arginine 264 with proline.
Molecular consequence: missense variant.
Genome position (GRCh38, 1-based): chr9:72,772,462, G>C. VCF-style: chr9-72772462-G-C. GRCh37 (hg19) VCF-style: chr9-75387378-G-C.
Other names: short protein forms R264P.
Identifiers: ClinVar variation 47878 (VCV000047878.6), dbSNP rs147147941, ClinGen allele CA142087.
Genomic context (GRCh38, chr9:72,772,462, plus strand): 5'-TTGGATTTCAGGGTTTGGCACAATATTCCGTTCTCTTTTATGGCTATTATGACAATAAAC[G>C]AACAATTGGATGGATGAATTTCAGGTTGCCGCTCTCCTATTTTCTAGTGGGGATTATGTG-3'
Protein context (NP_619636.2, residues 254-274): VLFYGYYDNK[Arg264Pro]TIGWMNFRLP